The following is an entry in ClinVar:

NM_000179.3(MSH6):c.1311C>T (p.His437=)

Gene: MSH6 (mutS homolog 6; plus strand). Cytogenetic location: 2p16.3.
Variant type: single nucleotide variant.
Coding change: c.1311C>T on transcript NM_000179.3 (MANE Select); coding-DNA position 1311, C replaced by T.
Protein change: p.His437=; no amino-acid change (histidine 437 retained).
Molecular consequence: synonymous variant.
Genome position (GRCh38, 1-based): chr2:47,799,294, C>T. VCF-style: chr2-47799294-C-T. GRCh37 (hg19) VCF-style: chr2-48026433-C-T.
Other names: c.921C>T, p.His307= (NM_001281492.2); c.405C>T, p.His135= (NM_001281493.2, NM_001281494.2).
Identifiers: ClinVar variation 630877 (VCV000630877.5), dbSNP rs1558661313, ClinGen allele CA426120908.

ClinVar aggregate classification (germline): Benign/Likely benign. Review status: criteria provided, multiple submitters, no conflicts (2 of 4 stars). 3 submissions from 3 submitters: Benign (1); Likely benign (2). Last evaluated 2024-12-26.

Conditions:
Hereditary cancer-predisposing syndrome. Also called: Tumor predisposition; Neoplastic Syndromes, Hereditary; Hereditary neoplastic syndrome; Hereditary Cancer Syndrome. Identifiers: Orphanet 140162, MedGen C0027672, MeSH D009386, MONDO:0015356.
Lynch syndrome 5 (LYNCH5). Also called: Hereditary non-polyposis colorectal cancer, type 5; Colorectal cancer, hereditary nonpolyposis, type 5. Identifiers: Orphanet 144, MedGen C1833477, MONDO:0013710, OMIM 614350. Disease mechanism: loss of function.

Submissions (3):

Myriad Genetics, Inc.
Classification: Benign for Lynch syndrome 5. Last evaluated: 2024-12-26. Review status: criteria provided, single submitter. Criteria: Myriad Autosomal Dominant, Autosomal Recessive and X-Linked Classification Criteria (2023). Collection method: clinical testing. Allele origin: unknown.
Comment: This variant is considered benign. This variant is a silent/synonymous amino acid change and it is not expected to impact splicing.

Ambry Genetics
Classification: Likely benign for Hereditary cancer-predisposing syndrome. Last evaluated: 2018-08-28. Review status: criteria provided, single submitter. Criteria: Ambry Variant Classification Scheme 2023. Collection method: clinical testing. Allele origin: germline.

Color Diagnostics, LLC DBA Color Health
Classification: Likely benign for Hereditary cancer-predisposing syndrome. Last evaluated: 2017-11-23. Review status: criteria provided, single submitter. Criteria: ACMG Guidelines, 2015. Collection method: clinical testing. Allele origin: germline.